The following is an entry in ClinVar:

ClinVar aggregate classification (germline): Likely pathogenic. Review status: criteria provided, single submitter (1 of 4 stars). 2 submissions from 2 submitters: Likely pathogenic (1). 1 of the submissions does not count toward it. Last evaluated 2026-03-19.

Conditions:
Lamellar ichthyosis. Identifiers: Orphanet 313, MedGen C5848247, MONDO:0017778.
Autosomal recessive congenital ichthyosis 5 (ARCI5). Also called: ICHTHYOSIS CONGENITA III; Ichthyosis, nonlamellar and nonerythrodermic, congenital, autosomal recessive. Identifiers: Orphanet 313, MedGen C1858133, MONDO:0011485, OMIM 604777.

Allele frequency attached by ClinVar (database versions not stated): gnomAD exomes below 0.00001.
gnomAD v4.1: 1 of 1,613,236 alleles (0.000062%); highest among the groups gnomAD compares: African/African-American, 0.0013%; no homozygotes.

Submissions (2):

Women's Health and Genetics/Laboratory Corporation of America, LabCorp
Classification: Likely pathogenic for Lamellar ichthyosis. Last evaluated: 2026-03-19. Review status: criteria provided, single submitter. Criteria: LabCorp Variant Classification Summary - May 2015. Collection method: clinical testing. Allele origin: germline.
Comment: Variant summary: CYP4F22 c.1488C>G (p.Phe496Leu) results in a non-conservative amino acid change in the encoded protein sequence. Algorithms developed to predict the effect of missense changes on protein structure and function all suggest that this variant is likely to be disruptive. The variant was absent in 247994 control chromosomes. c.1488C>G has been observed in compound heterozygous and homozygous individual(s) affected with Lamellar Ichthyosis (e.g. Hotz_2018). These data indicate that the variant may be associated with disease. At least one publication reports experimental evidence evaluating an impact on protein function showing reduced production of hydroxyceramides and acylceramides as a function of reduced enzyme activity (e.g. Nohara_2021). The following publications have been ascertained in the context of this evaluation (PMID: 30011118, 33067036). ClinVar contains an entry for this variant (Variation ID: 560314). Based on the evidence outlined above, the variant was classified as likely pathogenic.

Institute for Human Genetics, University Medical Center Freiburg
Classification: Pathogenic for Autosomal recessive congenital ichthyosis 5. Last evaluated: 2018-04-23. Review status: no assertion criteria provided. Collection method: clinical testing. Allele origin: germline. Affected: yes. Not counted in ClinVar's aggregate classification.

Literature cited by the submitters: PubMed 30011118 (cited by Women's Health and Genetics/Laboratory Corporation of America, LabCorp and Institute for Human Genetics, University Medical Center Freiburg); PubMed 33067036 (cited by Women's Health and Genetics/Laboratory Corporation of America, LabCorp).

NM_173483.4(CYP4F22):c.1488C>G (p.Phe496Leu)

Gene: CYP4F22 (cytochrome P450 family 4 subfamily F member 22; plus strand). Cytogenetic location: 19p13.12.
Variant type: single nucleotide variant.
Coding change: c.1488C>G on transcript NM_173483.4 (MANE Select); coding-DNA position 1488, C replaced by G.
Protein change: p.Phe496Leu; replaces phenylalanine 496 with leucine.
Molecular consequence: missense variant.
Genome position (GRCh38, 1-based): chr19:15,551,363, C>G. VCF-style: chr19-15551363-C-G. GRCh37 (hg19) VCF-style: chr19-15662174-C-G.
Other names: short protein forms F496L.
Identifiers: ClinVar variation 560314 (VCV000560314.3), dbSNP rs1568365205, ClinGen allele CA404544277.